The following is an entry in ClinVar:

ClinVar aggregate classification (germline): Uncertain significance (1 of 4 stars; one submission).

Submission:

GeneDx
Classification: Uncertain significance. Last evaluated: 2025-03-20. Review status: criteria provided, single submitter. Criteria: GeneDx Variant Classification Process June 2021. Collection method: clinical testing. Allele origin: germline. Affected: yes.
Comment: Not observed at significant frequency in large population cohorts (gnomAD); In silico analysis supports that this missense variant has a deleterious effect on protein structure/function; Has not been previously published as pathogenic or benign to our knowledge

NM_005754.3(G3BP1):c.29T>C (p.Leu10Pro)

Gene: G3BP1 (G3BP stress granule assembly factor 1; plus strand). Cytogenetic location: 5q33.1.
Variant type: single nucleotide variant.
Coding change: c.29T>C on transcript NM_005754.3 (MANE Select); coding-DNA position 29, T replaced by C.
Protein change: p.Leu10Pro; replaces leucine 10 with proline.
Molecular consequence: missense variant.
Genome position (GRCh38, 1-based): chr5:151,786,649, T>C. VCF-style: chr5-151786649-T-C. GRCh37 (hg19) VCF-style: chr5-151166210-T-C.
Other names: c.29T>C, p.Leu10Pro (NM_198395.2); short protein forms L10P.
Identifiers: ClinVar variation 4086386 (VCV004086386.1).